The following is an entry in ClinVar:

ClinVar aggregate classification (germline): Uncertain significance (1 of 4 stars; one submission).

Conditions:
Epileptic encephalopathy. Identifiers: MedGen C0543888, HP:0200134.

Submission:

Labcorp Genetics (formerly Invitae), Labcorp
Classification: Uncertain significance for Epileptic encephalopathy. Last evaluated: 2024-01-05. Review status: criteria provided, single submitter. Criteria: Invitae Variant Classification Sherloc (09022015). Collection method: clinical testing. Allele origin: germline.
Comment: This sequence change replaces serine, which is neutral and polar, with arginine, which is basic and polar, at codon 1411 of the FASN protein (p.Ser1411Arg). This variant is not present in population databases (gnomAD no frequency). This variant has not been reported in the literature in individuals affected with FASN-related conditions. An algorithm developed to predict the effect of missense changes on protein structure and function (PolyPhen-2) suggests that this variant is likely to be tolerated. In summary, the available evidence is currently insufficient to determine the role of this variant in disease. Therefore, it has been classified as a Variant of Uncertain Significance.

NM_004104.5(FASN):c.4231A>C (p.Ser1411Arg)

Gene: FASN (fatty acid synthase; minus strand). Cytogenetic location: 17q25.3.
Variant type: single nucleotide variant.
Coding change: c.4231A>C on transcript NM_004104.5 (MANE Select); coding-DNA position 4231, A replaced by C.
Protein change: p.Ser1411Arg; replaces serine 1411 with arginine.
Molecular consequence: missense variant.
Genome position (GRCh38, 1-based): chr17:82,085,294, T>G on the plus strand (A>C on the coding strand, the complement: FASN is on the minus strand). VCF-style: chr17-82085294-T-G. GRCh37 (hg19) VCF-style: chr17-80043170-T-G.
Other names: short protein forms S1411R.
Identifiers: ClinVar variation 2809414 (VCV002809414.3), dbSNP rs2509834453, ClinGen allele CA401548427.